The following is an entry in ClinVar:

NM_002890.3(RASA1):c.607A>C (p.Ser203Arg)

Genes: CCNH (cyclin H; minus strand), RASA1 (RAS p21 protein activator 1; plus strand). Cytogenetic location: 5q14.3.
Variant type: single nucleotide variant.
Coding change: c.607A>C on transcript NM_002890.3 (MANE Select); coding-DNA position 607, A replaced by C.
Protein change: p.Ser203Arg; replaces serine 203 with arginine.
Molecular consequence: missense variant. On other transcripts: intron variant (1).
Genome position (GRCh38, 1-based): chr5:87,331,415, A>C. VCF-style: chr5-87331415-A-C. GRCh37 (hg19) VCF-style: chr5-86627232-A-C.
Other names: c.76A>C, p.Ser26Arg (NM_022650.3); c.934-18620T>G (NM_001364075.2); short protein forms S203R, S26R.
Identifiers: ClinVar variation 1717317 (VCV001717317.7), dbSNP rs2531187416, ClinGen allele CA360375582.
Genomic context (GRCh38, chr5:87,331,415, plus strand): 5'-CACGGAAAACTTGACAGAACGATAGCAGAAGAACGCCTCAGGCAGGCAGGGAAGTCTGGC[A>C]GTTATCTTATAAGAGAGAGTGATCGGAGGCCAGGGTCCTTTGTACTTTCATTTCTTAGCC-3'
Protein context (NP_002881.1, residues 193-213): ERLRQAGKSG[Ser203Arg]YLIRESDRRP

ClinVar aggregate classification (germline): Uncertain significance. Review status: criteria provided, multiple submitters, no conflicts (2 of 4 stars). 2 submissions from 2 submitters: Uncertain significance (2). Last evaluated 2025-12-28.

Conditions:
Capillary malformation-arteriovenous malformation syndrome. Also called: Capillary malformation-arteriovenous malformation. Identifiers: Orphanet 137667, MedGen C1842180, MONDO:0012016.
Cardiovascular phenotype. Identifiers: MedGen CN230736.

Allele frequency attached by ClinVar (database versions not stated): gnomAD exomes below 0.00001.
gnomAD v4.1: 6 of 1,613,792 alleles (0.00037%); highest among the groups gnomAD compares: Non-Finnish European, 0.00051%; no homozygotes.

Submissions (2):

Labcorp Genetics (formerly Invitae), Labcorp
Classification: Uncertain significance for Capillary malformation-arteriovenous malformation syndrome. Last evaluated: 2025-12-28. Review status: criteria provided, single submitter. Criteria: Invitae Variant Classification Sherloc (09022015). Collection method: clinical testing. Allele origin: germline.
Comment: This sequence change replaces serine, which is neutral and polar, with arginine, which is basic and polar, at codon 203 of the RASA1 protein (p.Ser203Arg). This variant is not present in population databases (gnomAD no frequency). This variant has not been reported in the literature in individuals affected with RASA1-related conditions. ClinVar contains an entry for this variant (Variation ID: 1717317). An algorithm developed to predict the effect of missense changes on protein structure and function (PolyPhen-2) suggests that this variant is likely to be disruptive. In summary, the available evidence is currently insufficient to determine the role of this variant in disease. Therefore, it has been classified as a Variant of Uncertain Significance.

Ambry Genetics
Classification: Uncertain significance for Cardiovascular phenotype. Last evaluated: 2025-03-25. Review status: criteria provided, single submitter. Criteria: Ambry Variant Classification Scheme 2023. Collection method: clinical testing. Allele origin: germline.
Comment: The p.S203R variant (also known as c.607A>C), located in coding exon 2 of the RASA1 gene, results from an A to C substitution at nucleotide position 607. The serine at codon 203 is replaced by arginine, an amino acid with dissimilar properties. This amino acid position is conserved. In addition, this alteration is predicted to be deleterious by in silico analysis. Based on the available evidence, the clinical significance of this variant remains unclear.